The following is an entry in ClinVar:

NM_001206927.2(DNAH8):c.4231A>G (p.Lys1411Glu)

Gene: DNAH8 (dynein axonemal heavy chain 8; plus strand). Cytogenetic location: 6p21.2.
Variant type: single nucleotide variant.
Coding change: c.4231A>G on transcript NM_001206927.2 (MANE Select); coding-DNA position 4231, A replaced by G.
Protein change: p.Lys1411Glu; replaces lysine 1411 with glutamic acid.
Molecular consequence: missense variant.
Genome position (GRCh38, 1-based): chr6:38,832,364, A>G. VCF-style: chr6-38832364-A-G. GRCh37 (hg19) VCF-style: chr6-38800140-A-G.
Other names: c.3580A>G, p.Lys1194Glu (NM_001371.4); short protein forms K1194E, K1411E.
Identifiers: ClinVar variation 648369 (VCV000648369.9), dbSNP rs140704775, ClinGen allele CA3789075.
Genomic context (GRCh38, chr6:38,832,364, plus strand): 5'-TATTCTTTTTTATTGTAGGTTTCAGTACAAGAGGACCTAGTTCAAGTGCAGCCAAAGTTT[A>G]AAAGCAATCTACTTGAGTCTGTGGAAGTTTTTCGTGAGGACGTGATAAACTTTGCAGAAG-3'
Protein context (NP_001193856.1, residues 1401-1421): EDLVQVQPKF[Lys1411Glu]SNLLESVEVF

ClinVar aggregate classification (germline): Uncertain significance. Review status: criteria provided, multiple submitters, no conflicts (2 of 4 stars). 2 submissions from 2 submitters: Uncertain significance (2). Last evaluated 2024-03-04.

Conditions:
Primary ciliary dyskinesia. Also called: Ciliary dyskinesia. Identifiers: Orphanet 244, MedGen C0008780, MONDO:0016575, HP:0012265.

Allele frequency attached by ClinVar (database versions not stated): ESP Exome Variant Server 0.00023; TOPMed 0.00025; gnomAD 0.00028; gnomAD exomes 0.00003 and 0.00006; ExAC 0.00012.
gnomAD v4.1: 90 of 1,613,908 alleles (0.0056%); highest among the groups gnomAD compares: African/African-American, 0.083%; 2 homozygotes.

Submissions (2):

Ambry Genetics
Classification: Uncertain significance. Last evaluated: 2024-03-04. Review status: criteria provided, single submitter. Criteria: Ambry Variant Classification Scheme 2023. Collection method: clinical testing. Allele origin: germline.

Labcorp Genetics (formerly Invitae), Labcorp
Classification: Uncertain significance for Primary ciliary dyskinesia. Last evaluated: 2022-09-01. Review status: criteria provided, single submitter. Criteria: Invitae Variant Classification Sherloc (09022015). Collection method: clinical testing. Allele origin: germline.
Comment: This sequence change replaces lysine, which is basic and polar, with glutamic acid, which is acidic and polar, at codon 1411 of the DNAH8 protein (p.Lys1411Glu). This variant is present in population databases (rs140704775, gnomAD 0.09%). This variant has not been reported in the literature in individuals affected with DNAH8-related conditions. ClinVar contains an entry for this variant (Variation ID: 648369). Algorithms developed to predict the effect of missense changes on protein structure and function are either unavailable or do not agree on the potential impact of this missense change (SIFT: "Deleterious"; PolyPhen-2: "Not Available"; Align-GVGD: "Class C0"). In summary, the available evidence is currently insufficient to determine the role of this variant in disease. Therefore, it has been classified as a Variant of Uncertain Significance.